The following is an entry in ClinVar:

NM_001349338.3(FOXP1):c.165GCA[5] (p.Gln60_Ala61insGln)

Gene: FOXP1 (forkhead box P1; minus strand). Cytogenetic location: 3p13.
Variant type: Microsatellite.
Coding change: c.165GCA[5] on transcript NM_001349338.3 (MANE Select); five copies in a row of the 3-base unit GCA starting at c.165; the reference has four copies in a row; one copy, 3 bases duplicated.
Protein change: p.Gln60_Ala61insGln.
Molecular consequence: inframe insertion. On other transcripts: inframe indel (1), non-coding transcript variant (2).
Genome position (GRCh38, 1-based): chr3:71,198,206-71,198,208, TGC duplicated on the plus strand (GCA on the coding strand, the reverse complement: FOXP1 is on the minus strand); duplicating any 3 consecutive bases within chr3:71,198,206-71,198,219 gives the same sequence; the position shown is the placement nearest the transcript's 3' end. VCF-style (leftmost placement, unchanged base first): chr3-71198205-T-TTGC. GRCh37 (hg19) VCF-style: chr3-71247356-T-TTGC.
Other names: c.165GCA[5], p.Gln60_Trp61insGln (NM_001012505.2); c.165GCA[5], p.Gln60_Ala61insGln (NM_001244808.3, NM_001244810.2, NM_001244812.3 and 5 more transcripts); c.163_165CAG[5], p.Gln60_Ala61insGln (NM_001349339.1).
Identifiers: ClinVar variation 2885149 (VCV002885149.3), dbSNP rs370638902, ClinGen allele CA2491437.

ClinVar aggregate classification (germline): Uncertain significance (1 of 4 stars; one submission).

Submission:

Labcorp Genetics (formerly Invitae), Labcorp
Classification: Uncertain significance. Last evaluated: 2023-11-02. Review status: criteria provided, single submitter. Criteria: Invitae Variant Classification Sherloc (09022015). Collection method: clinical testing. Allele origin: germline.
Comment: This variant, c.174_176dup, results in the insertion of 1 amino acid(s) of the FOXP1 protein (p.Gln60dup), but otherwise preserves the integrity of the reading frame. This variant is present in population databases (rs752611531, gnomAD 0.007%). This variant has not been reported in the literature in individuals affected with FOXP1-related conditions. In summary, the available evidence is currently insufficient to determine the role of this variant in disease. Therefore, it has been classified as a Variant of Uncertain Significance.